The following is an entry in ClinVar:

ClinVar aggregate classification (germline): Likely pathogenic (1 of 4 stars; one submission).

Conditions:
Breast-ovarian cancer, familial, susceptibility to, 2 (BROVCA2). Also called: BRCA2 Hereditary Breast and Ovarian Cancer. Identifiers: Orphanet 145, MedGen C2675520, MONDO:0012933, OMIM 612555. Disease mechanism: loss of function.

Submission:

KCCC/NGS Laboratory, Kuwait Cancer Control Center
Classification: Likely pathogenic for Breast-ovarian cancer, familial, susceptibility to, 2. Last evaluated: 2023-06-06. Review status: criteria provided, single submitter. Criteria: ACMG Guidelines, 2015. Collection method: clinical testing. Allele origin: germline. Affected: yes.
Comment: A likely pathogenic variant was detected in the BRCA2 gene (c.1085_1086insCA). This sequence change creates a premature translational stop signal (p.Thr363fs*5) in the BRCA2 gene. It is expected to result in an absent or disrupted protein product. This variant is not present in population databases (gnomAD genomes). This variant has not been reported in the literature in individuals with BRCA2-related disease. Also no ClinVar entry for this variant. This alteration is predicted to be possibly damaging and deleterious by (Mutation taster and CADD). Loss of function variants in BRCA2 are known to be pathogenic (PMID: 20104584) . In summary, This variant classified as likely pathogenic according to ACMG guideline (PMID: 25741868).

NM_000059.4(BRCA2):c.1085_1086insCA (p.Thr363fs)

Gene: BRCA2 (BRCA2 DNA repair associated; plus strand). Cytogenetic location: 13q13.1.
Variant type: Insertion.
Coding change: c.1085_1086insCA on transcript NM_000059.4 (MANE Select); coding-DNA positions 1085 to 1086, CA inserted.
Protein change: p.Thr363fs; shifts the reading frame from threonine 363.
Molecular consequence: frameshift variant.
Genome position: GRCh38 VCF-style: chr13-32332562-G-GAC. GRCh37 (hg19) VCF-style: chr13-32906699-G-GAC.
Other names: c.1085_1086insCA (NM_000059.3); short protein forms T363fs.
Identifiers: ClinVar variation 2505518 (VCV002505518.2), dbSNP rs2548519504, ClinGen allele CA658761159.
Genomic context (GRCh38, chr13:32,332,562, plus strand): 5'-GAAAAATCTAAAAACCAAGTGAAAGAAAAATACTCATTTGTATCTGAAGTGGAACCAAAT[G>GAC]ATACTGATCCATTAGATTCAAATGTAGCAAATCAGAAGCCCTTTGAGAGTGGAAGTGACA-3'